The following is an entry in ClinVar:

NM_006755.2(TALDO1):c.22C>A (p.Arg8Ser)

Gene: TALDO1 (transaldolase 1; plus strand). Cytogenetic location: 11p15.5.
Variant type: single nucleotide variant.
Coding change: c.22C>A on transcript NM_006755.2 (MANE Select); coding-DNA position 22, C replaced by A.
Protein change: p.Arg8Ser; replaces arginine 8 with serine.
Molecular consequence: missense variant.
Genome position (GRCh38, 1-based): chr11:747,503, C>A. VCF-style: chr11-747503-C-A. GRCh37 (hg19) VCF-style: chr11-747503-C-A.
Other names: short protein forms R8S.
Identifiers: ClinVar variation 1926577 (VCV001926577.5), dbSNP rs948450387, ClinGen allele CA216952217.
Genomic context (GRCh38, chr11:747,503, plus strand): 5'-CGTCGCCGCCGCCGCCGCCGCAGACCCCTCGGTCTTGCTATGTCGAGCTCACCCGTGAAG[C>A]GTCAGAGGATGGAGTCCGCGCTGGACCAGCTCAAGCAGTTCACCACCGTGGTGGCCGACA-3'
Protein context (NP_006746.1, residues 1-18): MSSSPVK[Arg8Ser]QRMESALDQL

ClinVar aggregate classification (germline): Uncertain significance (1 of 4 stars; one submission).

Allele frequency attached by ClinVar (database versions not stated): TOPMed below 0.00001.
gnomAD v4.1: 2 of 1,600,052 alleles (0.00012%); highest among the groups gnomAD compares: Non-Finnish European, 0.00017%; no homozygotes.

Submission:

Labcorp Genetics (formerly Invitae), Labcorp
Classification: Uncertain significance. Last evaluated: 2022-07-14. Review status: criteria provided, single submitter. Criteria: Invitae Variant Classification Sherloc (09022015). Collection method: clinical testing. Allele origin: germline.
Comment: This variant has not been reported in the literature in individuals affected with TALDO1-related conditions. In summary, the available evidence is currently insufficient to determine the role of this variant in disease. Therefore, it has been classified as a Variant of Uncertain Significance. Algorithms developed to predict the effect of missense changes on protein structure and function are either unavailable or do not agree on the potential impact of this missense change (SIFT: "Deleterious"; PolyPhen-2: "Benign"; Align-GVGD: "Class C0"). The frequency data for this variant in the population databases is considered unreliable, as metrics indicate poor data quality at this position in the gnomAD database. This sequence change replaces arginine, which is basic and polar, with serine, which is neutral and polar, at codon 8 of the TALDO1 protein (p.Arg8Ser).